The following is an entry in ClinVar:

ClinVar aggregate classification (germline): Conflicting classifications of pathogenicity. Review status: criteria provided, conflicting classifications (1 of 4 stars). 3 submissions from 3 submitters: Uncertain significance (2); Likely benign (1). Last evaluated 2025-09-24.

Conditions:
Hereditary cancer-predisposing syndrome. Also called: Hereditary Cancer Syndrome; Neoplastic Syndromes, Hereditary; Hereditary neoplastic syndrome; Tumor predisposition. Identifiers: Orphanet 140162, MedGen C0027672, MeSH D009386, MONDO:0015356.
Gorlin syndrome. Also called: Nevoid Basal Cell Carcinoma Syndrome; Basal cell nevus syndrome. Identifiers: Orphanet 377, MedGen C0004779, MONDO:0007187.
Medulloblastoma (MDB). Also called: Medulloblastoma, somatic; MEDULLOBLASTOMA PREDISPOSITION SYNDROME. Identifiers: Orphanet 616, MedGen C0025149, MeSH D008527, MONDO:0007959, OMIM 155255, HP:0002885.

Allele frequency attached by ClinVar (database versions not stated): TOPMed below 0.00001; gnomAD 0.00001; gnomAD exomes 0.00001; ExAC 0.00002.
gnomAD v4.1: 9 of 1,613,864 alleles (0.00056%); highest among the groups gnomAD compares: Non-Finnish European, 0.00068%; no homozygotes.

Submissions (3):

Labcorp Genetics (formerly Invitae), Labcorp
Classification: Uncertain significance for Gorlin syndrome; Medulloblastoma. Last evaluated: 2025-09-24. Review status: criteria provided, single submitter. Criteria: Invitae Variant Classification Sherloc (09022015). Collection method: clinical testing. Allele origin: germline.
Comment: This sequence change replaces glutamic acid, which is acidic and polar, with lysine, which is basic and polar, at codon 286 of the SUFU protein (p.Glu286Lys). This variant is present in population databases (rs564728455, gnomAD 0.002%). This variant has not been reported in the literature in individuals affected with SUFU-related conditions. ClinVar contains an entry for this variant (Variation ID: 822573). Invitae Evidence Modeling of protein sequence and biophysical properties (such as structural, functional, and spatial information, amino acid conservation, physicochemical variation, residue mobility, and thermodynamic stability) indicates that this missense variant is not expected to disrupt SUFU protein function with a negative predictive value of 80%. In summary, the available evidence is currently insufficient to determine the role of this variant in disease. Therefore, it has been classified as a Variant of Uncertain Significance.

GeneDx
Classification: Uncertain significance. Last evaluated: 2024-08-26. Review status: criteria provided, single submitter. Criteria: GeneDx Variant Classification Process June 2021. Collection method: clinical testing. Allele origin: germline. Affected: yes.
Comment: Not observed at significant frequency in large population cohorts (gnomAD); In silico analysis indicates that this missense variant does not alter protein structure/function; Has not been previously published as pathogenic or benign to our knowledge

Ambry Genetics
Classification: Likely benign for Hereditary cancer-predisposing syndrome. Last evaluated: 2023-02-27. Review status: criteria provided, single submitter. Criteria: Ambry Variant Classification Scheme 2023. Collection method: clinical testing. Allele origin: germline.

NM_016169.4(SUFU):c.856G>A (p.Glu286Lys)

Gene: SUFU (SUFU negative regulator of hedgehog signaling; plus strand). Cytogenetic location: 10q24.32.
Variant type: single nucleotide variant.
Coding change: c.856G>A on transcript NM_016169.4 (MANE Select); coding-DNA position 856, G replaced by A.
Protein change: p.Glu286Lys; replaces glutamic acid 286 with lysine.
Molecular consequence: missense variant.
Genome position (GRCh38, 1-based): chr10:102,597,239, G>A. VCF-style: chr10-102597239-G-A. GRCh37 (hg19) VCF-style: chr10-104356996-G-A.
Other names: c.856G>A, p.Glu286Lys (NM_001178133.2); short protein forms E286K.
Identifiers: ClinVar variation 822573 (VCV000822573.12), dbSNP rs564728455, ClinGen allele CA5667787.